The following is an entry in ClinVar:

ClinVar aggregate classification (germline): Uncertain significance. Review status: criteria provided, multiple submitters, no conflicts (2 of 4 stars). 2 submissions from 2 submitters: Uncertain significance (2). Last evaluated 2025-11-24.

Conditions:
Hereditary cancer-predisposing syndrome. Also called: Neoplastic Syndromes, Hereditary; Tumor predisposition; Hereditary neoplastic syndrome; Hereditary Cancer Syndrome. Identifiers: Orphanet 140162, MedGen C0027672, MeSH D009386, MONDO:0015356.

Allele frequency attached by ClinVar (database versions not stated): TOPMed below 0.00001; ExAC 0.00001; gnomAD exomes 0.00001; gnomAD 0.00003.

Submissions (2):

Labcorp Genetics (formerly Invitae), Labcorp
Classification: Uncertain significance. Last evaluated: 2025-11-24. Review status: criteria provided, single submitter. Criteria: Invitae Variant Classification Sherloc (09022015). Collection method: clinical testing. Allele origin: germline.
Comment: This sequence change replaces alanine, which is neutral and non-polar, with threonine, which is neutral and polar, at codon 264 of the NTHL1 protein (p.Ala264Thr). This variant is present in population databases (rs2233522, gnomAD 0.003%). This variant has not been reported in the literature in individuals affected with NTHL1-related conditions. ClinVar contains an entry for this variant (Variation ID: 643211). An algorithm developed to predict the effect of missense changes on protein structure and function outputs the following: PolyPhen-2: "Benign". The threonine amino acid residue is found in multiple mammalian species, which suggests that this missense change does not adversely affect protein function. In summary, the available evidence is currently insufficient to determine the role of this variant in disease. Therefore, it has been classified as a Variant of Uncertain Significance.

Ambry Genetics
Classification: Uncertain significance for Hereditary cancer-predisposing syndrome. Last evaluated: 2025-05-27. Review status: criteria provided, single submitter. Criteria: Ambry Variant Classification Scheme 2023. Collection method: clinical testing. Allele origin: germline.
Comment: The p.A264T variant (also known as c.790G>A), located in coding exon 5 of the NTHL1 gene, results from a G to A substitution at nucleotide position 790. The alanine at codon 264 is replaced by threonine, an amino acid with similar properties. This amino acid position is not well conserved in available vertebrate species. In addition, this alteration is predicted to be tolerated by in silico analysis. Based on the available evidence, the clinical significance of this variant remains unclear.

NM_002528.7(NTHL1):c.766G>A (p.Ala256Thr)

Gene: NTHL1 (nth like DNA glycosylase 1; minus strand). Cytogenetic location: 16p13.3.
Variant type: single nucleotide variant.
Coding change: c.766G>A on transcript NM_002528.7 (MANE Select); coding-DNA position 766, G replaced by A.
Protein change: p.Ala256Thr; replaces alanine 256 with threonine.
Molecular consequence: missense variant.
Genome position (GRCh38, 1-based): chr16:2,040,158, C>T on the plus strand (G>A on the coding strand, the complement: NTHL1 is on the minus strand). VCF-style: chr16-2040158-C-T. GRCh37 (hg19) VCF-style: chr16-2090159-C-T.
Other names: c.595G>A, p.Ala199Thr (NM_001318193.2); c.436G>A, p.Ala146Thr (NM_001318194.2); c.766G>A, p.Ala256Thr (LRG_1366t1); short protein forms A199T, A256T, A146T.
Identifiers: ClinVar variation 643211 (VCV000643211.12), dbSNP rs2233522, ClinGen allele CA7828123.